The following is an entry in ClinVar:

ClinVar aggregate classification (germline): Uncertain significance. Review status: criteria provided, multiple submitters, no conflicts (2 of 4 stars). 9 submissions from 9 submitters: Uncertain significance (8). 1 of the submissions does not count toward it. Last evaluated 2026-08-28.

Conditions:
CFTR-related disorder (CFTR-RD). Also called: CFTR-related condition; CFTR-related disorders. Identifiers: MedGen C5924204, MONDO:7770004.
Cystic fibrosis (CF). Also called: MUCOVISCIDOSIS. Identifiers: Orphanet 586, MedGen C0010674, MONDO:0009061, OMIM 219700. Disease mechanism: loss of function.

Allele frequency attached by ClinVar (database versions not stated): gnomAD 0.00010; TOPMed 0.00011.
gnomAD v4.1: 174 of 1,612,898 alleles (0.011%); highest among the groups gnomAD compares: Non-Finnish European, 0.013%; no homozygotes.

Submissions (9):

PreventionGenetics, part of Exact Sciences
Classification: Uncertain significance for CFTR-related condition. Last evaluated: 2026-08-28. Review status: criteria provided, single submitter. Criteria: ACMG Guidelines, 2015. Collection method: clinical testing. Allele origin: germline.
Comment: The CFTR c.2557A>G variant is predicted to result in the amino acid substitution p.Ile853Val. To our knowledge, this variant has not been reported in the literature in association with CFTR-related disease. This variant is reported in 0.0085% of alleles in individuals of European (Non-Finnish) descent in gnomAD. At this time, the clinical significance of this variant is uncertain due to the absence of conclusive functional and genetic evidence.

Ambry Genetics
Classification: Uncertain significance for Cystic fibrosis. Last evaluated: 2025-05-16. Review status: criteria provided, single submitter. Criteria: Ambry Variant Classification Scheme 2023. Collection method: clinical testing. Allele origin: germline.
Comment: The p.I853V variant (also known as c.2557A>G), located in coding exon 15 of the CFTR gene, results from an A to G substitution at nucleotide position 2557. The isoleucine at codon 853 is replaced by valine, an amino acid with highly similar properties. This amino acid position is not well conserved in available vertebrate species. In addition, this alteration is predicted to be tolerated by in silico analysis. Since supporting evidence is limited at this time, the clinical significance of this alteration remains unclear.

Blueprint Genetics
Classification: Uncertain significance. Last evaluated: 2024-11-27. Review status: criteria provided, single submitter. Criteria: ACMG Guidelines, 2015. Collection method: clinical testing. Allele origin: germline.

ARUP Laboratories, Molecular Genetics and Genomics, ARUP Laboratories
Classification: Uncertain significance. Last evaluated: 2024-05-29. Review status: criteria provided, single submitter. Criteria: ARUP Molecular Germline Variant Investigation Process 2024. Collection method: clinical testing. Allele origin: germline.
Comment: The CFTR c.2557A>G; p.Ile853Val variant (rs780187979), to our knowledge, is not reported in the medical literature but is reported in ClinVar (Variation ID: 439487). This variant is found in the general population with an overall allele frequency of 0.004% (12/282688 alleles) in the Genome Aggregation Database (v2.1.1). Computational analyses are uncertain whether this variant is neutral or deleterious (REVEL: 0.189). Another variant at this codon (c.2557A>T; p.Ile853Phe) has been reported in a patient with congenital absence of the vas deferens, but its clinical significance was not determined (Dayangac 2004). Due to limited information, the clinical significance of the p.Ile853Val variant is uncertain at this time. References: Dayangac D et al. Mutations of the CFTR gene in Turkish patients with congenital bilateral absence of the vas deferens. Hum Reprod. 2004; 19(5):1094-100. PMID: 15070876.

Labcorp Genetics (formerly Invitae), Labcorp
Classification: Uncertain significance for Cystic fibrosis. Last evaluated: 2024-01-02. Review status: criteria provided, single submitter. Criteria: Invitae Variant Classification Sherloc (09022015). Collection method: clinical testing. Allele origin: germline.
Comment: This sequence change replaces isoleucine, which is neutral and non-polar, with valine, which is neutral and non-polar, at codon 853 of the CFTR protein (p.Ile853Val). This variant is present in population databases (rs780187979, gnomAD 0.007%). This variant has not been reported in the literature in individuals affected with CFTR-related conditions. ClinVar contains an entry for this variant (Variation ID: 439487). Advanced modeling of protein sequence and biophysical properties (such as structural, functional, and spatial information, amino acid conservation, physicochemical variation, residue mobility, and thermodynamic stability) performed at Invitae indicates that this missense variant is not expected to disrupt CFTR protein function with a negative predictive value of 80%. In summary, the available evidence is currently insufficient to determine the role of this variant in disease. Therefore, it has been classified as a Variant of Uncertain Significance.

Genome-Nilou Lab
Classification: Uncertain significance for Cystic fibrosis. Last evaluated: 2021-09-05. Review status: criteria provided, single submitter. Criteria: ACMG Guidelines, 2015. Collection method: clinical testing. Allele origin: germline. Affected: no.

Quest Diagnostics Nichols Institute San Juan Capistrano
Classification: Uncertain significance. Last evaluated: 2020-02-26. Review status: criteria provided, single submitter. Criteria: Quest Diagnostics criteria. Collection method: clinical testing. Allele origin: unknown.

Women's Health and Genetics/Laboratory Corporation of America, LabCorp
Classification: Uncertain significance. Last evaluated: 2016-09-21. Review status: criteria provided, single submitter. Criteria: LabCorp Variant Classification Summary - May 2015. Collection method: clinical testing. Allele origin: germline.
Comment: Variant summary: The CFTR c.2557A>G (p.Ile853Val) variant involves the alteration of a non-conserved nucleotide. 4/5 in silico tools predict a benign outcome for this variant. This variant was found in 5/121246 control chromosomes at a frequency of 0.0000412, which does not exceed the estimated maximal expected allele frequency of a pathogenic CFTR variant (0.0129603). The variant of interest has not, to our knowledge, been reported in affected individuals via publications and/or reputable databases/clinical diagnostic laboratories; nor evaluated for functional impact by in vivo/vitro studies. Because of the absence of clinical information and the lack of functional studies, the variant is classified as a variant of uncertain significance (VUS) until additional information becomes available.

Natera, Inc.
Classification: Uncertain significance for Cystic Fibrosis. Last evaluated: 2018-05-11. Review status: no assertion criteria provided. Collection method: clinical testing. Allele origin: germline. Not counted in ClinVar's aggregate classification.

NM_000492.4(CFTR):c.2557A>G (p.Ile853Val)

Gene: CFTR (CF transmembrane conductance regulator; plus strand). Cytogenetic location: 7q31.2.
Variant type: single nucleotide variant.
Coding change: c.2557A>G on transcript NM_000492.4 (MANE Select); coding-DNA position 2557, A replaced by G.
Protein change: p.Ile853Val; replaces isoleucine 853 with valine.
Molecular consequence: missense variant.
Genome position (GRCh38, 1-based): chr7:117,594,996, A>G. VCF-style: chr7-117594996-A-G. GRCh37 (hg19) VCF-style: chr7-117235050-A-G.
Other names: short protein forms I853V.
Identifiers: ClinVar variation 439487 (VCV000439487.23), dbSNP rs780187979, ClinGen allele CA4451224.